The following is an entry in ClinVar:

NM_000428.3(LTBP2):c.712C>T (p.Arg238Cys)

Gene: LTBP2 (latent transforming growth factor beta binding protein 2; minus strand). Cytogenetic location: 14q24.3.
Variant type: single nucleotide variant.
Coding change: c.712C>T on transcript NM_000428.3 (MANE Select); coding-DNA position 712, C replaced by T.
Protein change: p.Arg238Cys; replaces arginine 238 with cysteine.
Molecular consequence: missense variant.
Genome position (GRCh38, 1-based): chr14:74,585,972, G>A on the plus strand (C>T on the coding strand, the complement: LTBP2 is on the minus strand). VCF-style: chr14-74585972-G-A. GRCh37 (hg19) VCF-style: chr14-75052675-G-A.
Other names: short protein forms R238C.
Identifiers: ClinVar variation 1901603 (VCV001901603.5), dbSNP rs1313427661, ClinGen allele CA390383576.

ClinVar aggregate classification (germline): Uncertain significance (1 of 4 stars; one submission).

Allele frequency attached by ClinVar (database versions not stated): gnomAD exomes below 0.00001.
gnomAD v4.1: 9 of 1,613,164 alleles (0.00056%); highest among the groups gnomAD compares: African/African-American, 0.004%; no homozygotes.

Submission:

Labcorp Genetics (formerly Invitae), Labcorp
Classification: Uncertain significance. Last evaluated: 2022-06-29. Review status: criteria provided, single submitter. Criteria: Invitae Variant Classification Sherloc (09022015). Collection method: clinical testing. Allele origin: germline.
Comment: This variant has not been reported in the literature in individuals affected with LTBP2-related conditions. In summary, the available evidence is currently insufficient to determine the role of this variant in disease. Therefore, it has been classified as a Variant of Uncertain Significance. Algorithms developed to predict the effect of missense changes on protein structure and function (SIFT, PolyPhen-2, Align-GVGD) all suggest that this variant is likely to be disruptive. The frequency data for this variant in the population databases is considered unreliable, as metrics indicate poor data quality at this position in the gnomAD database. This sequence change replaces arginine, which is basic and polar, with cysteine, which is neutral and slightly polar, at codon 238 of the LTBP2 protein (p.Arg238Cys).